The following continues an entry in ClinVar:

NM_024675.4(PALB2):c.2129C>T (p.Thr710Met)

Gene: PALB2. ClinVar aggregate classification (germline): Uncertain significance. Uncertain significance (11).

Submissions 10 to 13 of 13:

Women's Health and Genetics/Laboratory Corporation of America, LabCorp
Classification: Uncertain significance. Last evaluated: 2021-03-08. Review status: criteria provided, single submitter. Criteria: LabCorp Variant Classification Summary - May 2015. Collection method: clinical testing. Allele origin: germline.
Comment: Variant summary: PALB2 c.2129C>T (p.Thr710Met) results in a non-conservative amino acid change in the encoded protein sequence. Three of five in-silico tools predict a damaging effect of the variant on protein function. The variant allele was found at a frequency of 1.2e-05 in 251492 control chromosomes. The available data on variant occurrences in the general population are insufficient to allow any conclusion about variant significance. c.2129C>T has been reported in the literature in unaffected control individuals of Japanese ancestry and a multiethnic cohort respectively in case control studies of individuals affected with Breast Cancer (example, Momozawa_2018, Weitzel_2019). These report(s) do not provide unequivocal conclusions about association of the variant with Hereditary Breast And Ovarian Cancer Syndrome. To our knowledge, no experimental evidence demonstrating an impact on protein function has been reported. Five clinical diagnostic laboratories have submitted clinical-significance assessments for this variant to ClinVar after 2014. All laboratories classified the variant as uncertain significance. Some submitters cite overlapping evidence utilized in the context of this evaluation. Based on the evidence outlined above, the variant was classified as uncertain significance.

Blueprint Genetics
Classification: Uncertain significance. Last evaluated: 2017-11-09. Review status: criteria provided, single submitter. Criteria: ACMG Guidelines, 2015. Collection method: clinical testing. Allele origin: germline.

PreventionGenetics, part of Exact Sciences
Classification: Uncertain significance for PALB2-related condition. Last evaluated: 2024-06-06. Review status: no assertion criteria provided. Collection method: clinical testing. Allele origin: germline. Not counted in ClinVar's aggregate classification.
Comment: The PALB2 c.2129C>T variant is predicted to result in the amino acid substitution p.Thr710Met. This variant has been reported in individuals with breast cancer (Hauke et al. 2018. PubMed ID: 29522266; Bhai et al. 2021. PubMed ID: 34326862), acute myeloid leukemia (Jeong et al. 2019. PubMed ID: 31470354), and pancreatic cancer (Yin et al. 2022. PubMed ID: 35171259). However, this variant was also observed at similar frequencies in patients (0.0017%) and controls (0.0037%) in a large breast cancer risk-association study (Breast Cancer Association Consortium et al. 2021. PubMed ID: 33471991). This variant is reported in 0.0054% of alleles in individuals of East Asian descent in gnomAD. This variant is interpreted as a variant of uncertain significance in ClinVar. At this time, the clinical significance of this variant is uncertain due to the absence of conclusive functional and genetic evidence.

Leiden Open Variation Database
Classification: Uncertain significance. Last evaluated: 2018-08-25. Review status: no assertion criteria provided. Collection method: curation. Allele origin: germline. Affected: yes. Not counted in ClinVar's aggregate classification.
Comment: Curators: Marc Tischkowitz, Arleen D. Auerbach. Submitter to LOVD: Yukihide Momozawa.

Literature cited by the submitters: PubMed 31206626 (cited by 4 submitters); PubMed 31470354 (cited by Labcorp Genetics (formerly Invitae), Labcorp and Quest Diagnostics Nichols Institute San Juan Capistrano); PubMed 34326862 (cited by Labcorp Genetics (formerly Invitae), Labcorp); PubMed 35171259 (cited by Labcorp Genetics (formerly Invitae), Labcorp and Color Diagnostics, LLC DBA Color Health); PubMed 36243179 (cited by Labcorp Genetics (formerly Invitae), Labcorp and Color Diagnostics, LLC DBA Color Health); PubMed 29522266 (cited by Ambry Genetics); PubMed 30287823 (cited by 5 submitters); PubMed 31214711 (cited by Color Diagnostics, LLC DBA Color Health); PubMed 32980694 (cited by Color Diagnostics, LLC DBA Color Health); PubMed 33471991 (cited by Color Diagnostics, LLC DBA Color Health and Quest Diagnostics Nichols Institute San Juan Capistrano).